The following is an entry in ClinVar:

NM_006231.4(POLE):c.3131A>C (p.Glu1044Ala)

Gene: POLE (DNA polymerase epsilon, catalytic subunit; minus strand). Cytogenetic location: 12q24.33.
Variant type: single nucleotide variant.
Coding change: c.3131A>C on transcript NM_006231.4 (MANE Select); coding-DNA position 3131, A replaced by C.
Protein change: p.Glu1044Ala; replaces glutamic acid 1044 with alanine.
Molecular consequence: missense variant.
Genome position (GRCh38, 1-based): chr12:132,659,439, T>G on the plus strand (A>C on the coding strand, the complement: POLE is on the minus strand). VCF-style: chr12-132659439-T-G. GRCh37 (hg19) VCF-style: chr12-133236025-T-G.
Other names: short protein forms E1044A.
Identifiers: ClinVar variation 1727969 (VCV001727969.4), dbSNP rs2042630601, ClinGen allele CA387391061.

ClinVar aggregate classification (germline): Uncertain significance. Review status: criteria provided, multiple submitters, no conflicts (2 of 4 stars). 2 submissions from 2 submitters: Uncertain significance (2). Last evaluated 2025-01-01.

Conditions:
Hereditary cancer-predisposing syndrome. Also called: Tumor predisposition; Neoplastic Syndromes, Hereditary; Hereditary Cancer Syndrome; Hereditary neoplastic syndrome. Identifiers: Orphanet 140162, MedGen C0027672, MeSH D009386, MONDO:0015356.

Submissions (2):

Labcorp Genetics (formerly Invitae), Labcorp
Classification: Uncertain significance. Last evaluated: 2025-01-01. Review status: criteria provided, single submitter. Criteria: Invitae Variant Classification Sherloc (09022015). Collection method: clinical testing. Allele origin: germline.
Comment: This sequence change replaces glutamic acid, which is acidic and polar, with alanine, which is neutral and non-polar, at codon 1044 of the POLE protein (p.Glu1044Ala). This variant is not present in population databases (gnomAD no frequency). This variant has not been reported in the literature in individuals affected with POLE-related conditions. ClinVar contains an entry for this variant (Variation ID: 1727969). Invitae Evidence Modeling of protein sequence and biophysical properties (such as structural, functional, and spatial information, amino acid conservation, physicochemical variation, residue mobility, and thermodynamic stability) indicates that this missense variant is not expected to disrupt POLE protein function with a negative predictive value of 80%. In summary, the available evidence is currently insufficient to determine the role of this variant in disease. Therefore, it has been classified as a Variant of Uncertain Significance.

Ambry Genetics
Classification: Uncertain significance for Hereditary cancer-predisposing syndrome. Last evaluated: 2022-10-19. Review status: criteria provided, single submitter. Criteria: Ambry Variant Classification Scheme 2023. Collection method: clinical testing. Allele origin: germline.
Comment: The p.E1044A variant (also known as c.3131A>C), located in coding exon 26 of the POLE gene, results from an A to C substitution at nucleotide position 3131. The glutamic acid at codon 1044 is replaced by alanine, an amino acid with dissimilar properties. This amino acid position is conserved. In addition, the in silico prediction for this alteration is inconclusive. Since supporting evidence is limited at this time, the clinical significance of this alteration remains unclear.